The following is an entry in ClinVar:

NM_032119.4(ADGRV1):c.3726_3727insTTTTTTTTTTTTTTTTTTTTNNNNNNNNNNTGATGTTCTAGATCTGATGATCTCGTGATTCTCCCGCCTCTGCCTCCCTATGTGCTGGGATTACAGGCGTGAGCCACCGCGCCCGGCCCCCTTTGGAGTTTTT (p.Ile1243delinsPhePhePhePhePhePheXaaXaaXaaXaaTer)

Gene: ADGRV1 (adhesion G protein-coupled receptor V1; plus strand). Cytogenetic location: 5q14.3.
Variant type: Insertion.
Coding change: c.3726_3727insTTTTTTTTTTTTTTTTTTTTNNNNNNNNNNTGATGTTCTAGATCTGATGATCTCGTGATTCTCCCGCCTCTGCCTCCCTATGTGCTGGGATTACAGGCGTGAGCCACCGCGCCCGGCCCCCTTTGGAGTTTTT on transcript NM_032119.4 (MANE Select); coding-DNA positions 3726 to 3727, TTTTTTTTTTTTTTTTTTTTNNNNNNNNNNTGATGTTCTAGATCTGATGATCTCGTGATTCTCCCGCCTCTGCCTCCCTATGTGCTGGGATTACAGGCGTGAGCCACCGCGCCCGGCCCCCTTTGGAGTTTTT inserted.
Protein change: p.Ile1243delinsPhePhePhePhePhePheXaaXaaXaaXaaTer.
Molecular consequence: nonsense. On other transcripts: non-coding transcript variant (1).
Genome position: GRCh38: chr5:90,653,300-90,653,301. GRCh37 (hg19): chr5:89,949,117-89,949,118.
Identifiers: ClinVar variation 1457681 (VCV001457681.6), dbSNP rs2149466212.

ClinVar aggregate classification (germline): Pathogenic (1 of 4 stars; one submission).

Submission:

Labcorp Genetics (formerly Invitae), Labcorp
Classification: Pathogenic. Last evaluated: 2022-01-17. Review status: criteria provided, single submitter. Criteria: Invitae Variant Classification Sherloc (09022015). Collection method: clinical testing. Allele origin: germline.
Comment: For these reasons, this variant has been classified as Pathogenic. Retrotransposon insertions including LINE1 (L1), Alu, and SVA (SINE-VNTR-Alu) have been reported to be disease-causing through disruption of either a coding region or splice site (PMID: 19763152, 20307669, 22406018) and loss-of-function variants in ADGRV1 are known to be pathogenic (PMID: 19357117, 22135276, 22147658, 26226137, 26667666, 30029497, 32467589). Algorithms developed to predict the effect of sequence changes on RNA splicing suggest that this variant may create or strengthen a splice site. This variant has not been reported in the literature in individuals affected with ADGRV1-related conditions. This variant is not present in population databases (gnomAD no frequency). This sequence change inserts a large fragment of DNA, likely a transposable element, in exon 20 of the ADGRV1 gene (c.3726_3727ins?), causing a frameshift at codon 1243 (p.Ile1243fs). The exact size and sequence of the insertion cannot be determined by the current assay. However, the insertion is expected to result in an absent or disrupted protein product.

Literature cited by the submitters: PubMed 19763152; PubMed 20307669; PubMed 22406018; PubMed 19357117; PubMed 22135276; PubMed 22147658; PubMed 26226137; PubMed 26667666; PubMed 30029497; PubMed 32467589.